The following is an entry in ClinVar:

ClinVar aggregate classification (germline): Uncertain significance (1 of 4 stars; one submission).

Allele frequency attached by ClinVar (database versions not stated): gnomAD 0.00001; TOPMed 0.00001.
gnomAD v4.1: 4 of 1,613,912 alleles (0.00025%); highest among the groups gnomAD compares: Non-Finnish European, 0.00034%; no homozygotes.

Submission:

Ambry Genetics
Classification: Uncertain significance. Last evaluated: 2023-10-06. Review status: criteria provided, single submitter. Criteria: Ambry Variant Classification Scheme 2023. Collection method: clinical testing. Allele origin: germline.
Comment: The p.S13A variant (also known as c.37T>G), located in coding exon 1 of the PALLD gene, results from a T to G substitution at nucleotide position 37. The serine at codon 13 is replaced by alanine, an amino acid with similar properties. This amino acid position is conserved. In addition, this alteration is predicted to be tolerated by in silico analysis. Since supporting evidence is limited at this time, the clinical significance of this alteration remains unclear.

NM_001166108.2(PALLD):c.37T>G (p.Ser13Ala)

Gene: PALLD (palladin, cytoskeletal associated protein; plus strand). Cytogenetic location: 4q32.3.
Variant type: single nucleotide variant.
Coding change: c.37T>G on transcript NM_001166108.2 (MANE Select); coding-DNA position 37, T replaced by G.
Protein change: p.Ser13Ala; replaces serine 13 with alanine.
Molecular consequence: missense variant.
Genome position (GRCh38, 1-based): chr4:168,511,541, T>G. VCF-style: chr4-168511541-T-G. GRCh37 (hg19) VCF-style: chr4-169432692-T-G.
Other names: c.37T>G, p.Ser13Ala (NM_016081.4); short protein forms S13A.
Identifiers: ClinVar variation 1735063 (VCV001735063.2), dbSNP rs1339215037, ClinGen allele CA358724045.